The following is an entry in ClinVar:

ClinVar aggregate classification (germline): Uncertain significance. Review status: criteria provided, multiple submitters, no conflicts (2 of 4 stars). 2 submissions from 2 submitters: Uncertain significance (2). Last evaluated 2025-02-18.

Conditions:
Inborn genetic diseases. Identifiers: MedGen C0950123, MeSH D030342.
PCNT-related disorder. Also called: PCNT-related condition.

Allele frequency attached by ClinVar (database versions not stated): gnomAD exomes 0.00001; TOPMed 0.00002; ExAC 0.00003; gnomAD 0.00003.
gnomAD v4.1: 26 of 1,613,664 alleles (0.0016%); highest among the groups gnomAD compares: Admixed American, 0.0083%; no homozygotes.

Submissions (2):

Ambry Genetics
Classification: Uncertain significance for Inborn genetic diseases. Last evaluated: 2025-02-18. Review status: criteria provided, single submitter. Criteria: Ambry Variant Classification Scheme 2023. Collection method: clinical testing. Allele origin: germline.

PreventionGenetics, part of Exact Sciences
Classification: Uncertain significance for PCNT-related condition. Last evaluated: 2023-08-22. Review status: criteria provided, single submitter. Criteria: ACMG Guidelines, 2015. Collection method: clinical testing. Allele origin: germline.
Comment: The PCNT c.7223C>T variant is predicted to result in the amino acid substitution p.Ala2408Val. To our knowledge, this variant has not been reported in the literature. This variant is reported in 0.014% of alleles in individuals of Latino descent in gnomAD. At this time, the clinical significance of this variant is uncertain due to the absence of conclusive functional and genetic evidence.

NM_006031.6(PCNT):c.7223C>T (p.Ala2408Val)

Gene: PCNT (pericentrin; plus strand). Cytogenetic location: 21q22.3.
Variant type: single nucleotide variant.
Coding change: c.7223C>T on transcript NM_006031.6 (MANE Select); coding-DNA position 7223, C replaced by T.
Protein change: p.Ala2408Val; replaces alanine 2408 with valine.
Molecular consequence: missense variant.
Genome position (GRCh38, 1-based): chr21:46,425,874, C>T. VCF-style: chr21-46425874-C-T. GRCh37 (hg19) VCF-style: chr21-47845788-C-T.
Other names: c.6869C>T, p.Ala2290Val (NM_001315529.2); short protein forms A2290V, A2408V.
Identifiers: ClinVar variation 2635737 (VCV002635737.2), dbSNP rs754616596, ClinGen allele CA10080575.
Genomic context (GRCh38, chr21:46,425,874, plus strand): 5'-GCGCTTTCCCGCCACAGGCTTTACTGCAGATGGTGCGTGACGAGAGCCACCAGATCCTGG[C>T]GCTGTCAGAAGGCCTTGCACCCCCAAGCGGCGAGCCACACCCACCCCGGAAGGAAGACGA-3'
Protein context (NP_006022.3, residues 2398-2418): MVRDESHQIL[Ala2408Val]LSEGLAPPSG